The following is an entry in ClinVar:

ClinVar aggregate classification (germline): Uncertain significance (1 of 4 stars; one submission).

gnomAD v4.1: 2 of 1,611,298 alleles (0.00012%); highest among the groups gnomAD compares: East Asian, 0.0045%; no homozygotes.

Submission:

Labcorp Genetics (formerly Invitae), Labcorp
Classification: Uncertain significance. Last evaluated: 2022-10-24. Review status: criteria provided, single submitter. Criteria: Invitae Variant Classification Sherloc (09022015). Collection method: clinical testing. Allele origin: germline.
Comment: In summary, the available evidence is currently insufficient to determine the role of this variant in disease. Therefore, it has been classified as a Variant of Uncertain Significance. Experimental studies and prediction algorithms are not available or were not evaluated, and the functional significance of this variant is currently unknown. This variant has not been reported in the literature in individuals affected with REEP6-related conditions. This variant is not present in population databases (gnomAD no frequency). This sequence change replaces proline with threonine at codon 126 of the REEP6 protein (p.Pro126Thr). The proline residue is highly conserved and there is a small physicochemical difference between proline and threonine.

NM_138393.4(REEP6):c.376C>A (p.Pro126Thr)

Gene: REEP6 (receptor accessory protein 6; plus strand). Cytogenetic location: 19p13.3.
Variant type: single nucleotide variant.
Coding change: c.376C>A on transcript NM_138393.4 (MANE Select); coding-DNA position 376, C replaced by A.
Protein change: p.Pro126Thr; replaces proline 126 with threonine.
Molecular consequence: missense variant.
Genome position (GRCh38, 1-based): chr19:1,496,312, C>A. VCF-style: chr19-1496312-C-A. GRCh37 (hg19) VCF-style: chr19-1496311-C-A.
Other names: c.376C>A, p.Pro126Thr (NM_001329556.3); short protein forms P126T.
Identifiers: ClinVar variation 1514305 (VCV001514305.6), dbSNP rs147100837, ClinGen allele CA403056927.